The following is an entry in ClinVar:

NM_000245.4(MET):c.3610G>C (p.Asp1204His)

Gene: MET (MET proto-oncogene, receptor tyrosine kinase; plus strand). Cytogenetic location: 7q31.2.
Variant type: single nucleotide variant.
Coding change: c.3610G>C on transcript NM_000245.4 (MANE Select); coding-DNA position 3610, G replaced by C.
Protein change: p.Asp1204His; replaces aspartic acid 1204 with histidine.
Molecular consequence: missense variant.
Genome position (GRCh38, 1-based): chr7:116,782,075, G>C. VCF-style: chr7-116782075-G-C. GRCh37 (hg19) VCF-style: chr7-116422129-G-C.
Other names: c.3664G>C, p.Asp1222His (NM_001127500.3); c.2320G>C, p.Asp774His (NM_001324402.2); short protein forms D774H, D1222H, D1204H.
Identifiers: ClinVar variation 3395168 (VCV003395168.1).

ClinVar aggregate classification (germline): Uncertain significance (1 of 4 stars; one submission).

Conditions:
Hereditary cancer-predisposing syndrome. Also called: Hereditary Cancer Syndrome; Tumor predisposition; Hereditary neoplastic syndrome; Neoplastic Syndromes, Hereditary. Identifiers: Orphanet 140162, MedGen C0027672, MeSH D009386, MONDO:0015356.

Submission:

Ambry Genetics
Classification: Uncertain significance for Hereditary cancer-predisposing syndrome. Last evaluated: 2024-10-06. Review status: criteria provided, single submitter. Criteria: Ambry Variant Classification Scheme 2023. Collection method: clinical testing. Allele origin: germline.
Comment: The p.D1222H variant (also known as c.3664G>C), located in coding exon 17 of the MET gene, results from a G to C substitution at nucleotide position 3664. The aspartic acid at codon 1222 is replaced by histidine, an amino acid with similar properties. This amino acid position is conserved. In addition, this alteration is predicted to be deleterious by in silico analysis. Based on the available evidence, the clinical significance of this variant remains unclear.